The following is an entry in ClinVar:

NM_025155.3(PAAF1):c.276A>G (p.Thr92=)

Gene: PAAF1 (proteasomal ATPase associated factor 1; plus strand). Cytogenetic location: 11q13.4.
Variant type: single nucleotide variant.
Coding change: c.276A>G on transcript NM_025155.3 (MANE Select); coding-DNA position 276, A replaced by G.
Protein change: p.Thr92=; no amino-acid change (threonine 92 retained).
Molecular consequence: synonymous variant. On other transcripts: 5 prime UTR variant (1).
Genome position (GRCh38, 1-based): chr11:73,891,195, A>G. VCF-style: chr11-73891195-A-G. GRCh37 (hg19) VCF-style: chr11-73602240-A-G.
Other names: c.225A>G, p.Thr75= (NM_001267803.2, NM_001267804.2, NM_001267805.2); c.-70A>G (NM_001267806.2); c.279A>G, p.Thr93= (NM_001363556.2).
Identifiers: ClinVar variation 2642144 (VCV002642144.24), dbSNP rs143998339, ClinGen allele CA6180248.
Genomic context (GRCh38, chr11:73,891,195, plus strand): 5'-AAAGGAAAATGCATCTTCTAAGTTTTTGGCACCATATACTACTTTTTCCAGAATTCATAC[A>G]AAGAGTGTAAGTATTTTGATAAAATGAAGAGAAAATGTAATAGCATGTTAATTTTTCATT-3'
Protein context (NP_079431.1, residues 82-102): APYTTFSRIH[Thr92=]KSITCLDISS

ClinVar aggregate classification (germline): Likely benign (1 of 4 stars; one submission).

Allele frequency attached by ClinVar (database versions not stated): 1000 Genomes Project 0.00060; TOPMed 0.00174; gnomAD 0.00184; ESP Exome Variant Server 0.00193; ExAC 0.00195; gnomAD exomes 0.00259.
gnomAD v4.1: 3,862 of 1,537,612 alleles (0.25%); highest among the groups gnomAD compares: Non-Finnish European, 0.29%; 12 homozygotes.

Submission:

CeGaT Center for Human Genetics Tuebingen
Classification: Likely benign. Last evaluated: 2022-07-01. Review status: criteria provided, single submitter. Criteria: CeGaT Center For Human Genetics Tuebingen Variant Classification Criteria Version 2. Collection method: clinical testing. Allele origin: germline. Affected: yes. Observed: 1 variant allele.
Comment: PAAF1: BP4, BP7